The following is an entry in ClinVar:

NM_006509.4(RELB):c.105A>C (p.Leu35Phe)

Genes: RELB (RELB proto-oncogene, NF-kB subunit; plus strand), LOC130064661 (ATAC-STARR-seq lymphoblastoid silent region 10746; plus strand). Cytogenetic location: 19q13.32.
Variant type: single nucleotide variant.
Coding change: c.105A>C on transcript NM_006509.4 (MANE Select); coding-DNA position 105, A replaced by C.
Protein change: p.Leu35Phe; replaces leucine 35 with phenylalanine.
Molecular consequence: missense variant.
Genome position (GRCh38, 1-based): chr19:45,001,684, A>C. VCF-style: chr19-45001684-A-C. GRCh37 (hg19) VCF-style: chr19-45504942-A-C.
Other names: c.105A>C, p.Leu35Phe (NM_001411087.1); short protein forms L35F.
Identifiers: ClinVar variation 1923067 (VCV001923067.5), dbSNP rs1429774007, ClinGen allele CA406319849.

ClinVar aggregate classification (germline): Uncertain significance (1 of 4 stars; one submission).

Allele frequency attached by ClinVar (database versions not stated): gnomAD exomes below 0.00001; TOPMed below 0.00001; gnomAD 0.00001.
gnomAD v4.1: 3 of 1,511,208 alleles (0.0002%); highest among the groups gnomAD compares: Admixed American, 0.0061%; no homozygotes.

Submission:

Labcorp Genetics (formerly Invitae), Labcorp
Classification: Uncertain significance. Last evaluated: 2024-02-22. Review status: criteria provided, single submitter. Criteria: Invitae Variant Classification Sherloc (09022015). Collection method: clinical testing. Allele origin: germline.
Comment: This sequence change replaces leucine, which is neutral and non-polar, with phenylalanine, which is neutral and non-polar, at codon 35 of the RELB protein (p.Leu35Phe). This variant is present in population databases (no rsID available, gnomAD 0.009%). This variant has not been reported in the literature in individuals affected with RELB-related conditions. ClinVar contains an entry for this variant (Variation ID: 1923067). An algorithm developed to predict the effect of missense changes on protein structure and function (PolyPhen-2) suggests that this variant is likely to be tolerated. In summary, the available evidence is currently insufficient to determine the role of this variant in disease. Therefore, it has been classified as a Variant of Uncertain Significance.